The following is an entry in ClinVar:

NM_001165963.4(SCN1A):c.2926A>C (p.Met976Leu)

Gene: SCN1A (sodium voltage-gated channel alpha subunit 1; minus strand). Cytogenetic location: 2q24.3.
Variant type: single nucleotide variant.
Coding change: c.2926A>C on transcript NM_001165963.4 (MANE Select); coding-DNA position 2926, A replaced by C.
Protein change: p.Met976Leu; replaces methionine 976 with leucine.
Molecular consequence: missense variant. On other transcripts: non-coding transcript variant (1).
Genome position (GRCh38, 1-based): chr2:166,037,796, T>G on the plus strand (A>C on the coding strand, the complement: SCN1A is on the minus strand). VCF-style: chr2-166037796-T-G. GRCh37 (hg19) VCF-style: chr2-166894306-T-G.
Other names: c.2842A>C, p.Met948Leu (NM_001165964.3, NM_001353957.2, NM_001353958.2); c.2926A>C, p.Met976Leu (NM_001202435.3, NM_001353948.2); c.2893A>C, p.Met965Leu (NM_001353949.2, NM_001353950.2, NM_001353951.2 and 2 more transcripts); c.2890A>C, p.Met964Leu (NM_001353954.2, NM_001353955.2); c.2839A>C, p.Met947Leu (NM_001353960.2); c.484A>C, p.Met162Leu (NM_001353961.2); short protein forms M965L, M976L, M948L, M947L, M964L, M162L.
Identifiers: ClinVar variation 206792 (VCV000206792.48), dbSNP rs773681556, ClinGen allele CA317331.

ClinVar aggregate classification (germline): Conflicting classifications of pathogenicity. Review status: criteria provided, conflicting classifications (1 of 4 stars). 5 submissions from 5 submitters: Uncertain significance (1); Likely benign (3). 1 of the submissions does not count toward it. Last evaluated 2026-07-01.

Conditions:
Early-infantile DEE. Also called: Ohtahara syndrome; Early infantile epileptic encephalopathy with suppression bursts; Early infantile epileptic encephalopathy. Identifiers: Orphanet 1934, MedGen C0393706, MONDO:0800491.
Inborn genetic diseases. Identifiers: MedGen C0950123, MeSH D030342.

Allele frequency attached by ClinVar (database versions not stated): ExAC 0.00002; gnomAD 0.00004; gnomAD exomes 0.00004 and 0.00010; TOPMed 0.00005.
gnomAD v4.1: 164 of 1,614,076 alleles (0.01%); highest among the groups gnomAD compares: Non-Finnish European, 0.013%; no homozygotes.

Submissions (5):

CeGaT Center for Human Genetics Tuebingen
Classification: Uncertain significance. Last evaluated: 2026-07-01. Review status: criteria provided, single submitter. Criteria: CeGaT Center For Human Genetics Tuebingen Variant Classification Criteria Version 2. Collection method: clinical testing. Allele origin: germline. Affected: yes. Observed: 4 variant alleles.
Comment: SCN1A: PP2, PP3, BS1:Supporting

Labcorp Genetics (formerly Invitae), Labcorp
Classification: Likely benign for Early-infantile DEE. Last evaluated: 2026-01-12. Review status: criteria provided, single submitter. Criteria: Invitae Variant Classification Sherloc (09022015). Collection method: clinical testing. Allele origin: germline.

Women's Health and Genetics/Laboratory Corporation of America, LabCorp
Classification: Likely benign. Last evaluated: 2025-09-23. Review status: criteria provided, single submitter. Criteria: LabCorp Variant Classification Summary - May 2015. Collection method: clinical testing. Allele origin: germline.
Comment: Variant summary: SCN1A c.2926A>C (p.Met976Leu) results in a conservative amino acid change in the encoded protein sequence. Algorithms developed to predict the effect of missense changes on protein structure and function are either unavailable or do not agree on the potential impact of this missense change. The variant allele was found at a frequency of 4e-05 in 251466 control chromosomes (gnomAD). The observed variant frequency exceeds the estimated maximal expected allele frequency for disease-causing variants in SCN1A. To our knowledge, no occurrence of c.2926A>C in individuals affected with SCN1A-related conditions and no experimental evidence demonstrating its impact on protein function have been reported. ClinVar contains an entry for this variant (Variation ID: 206792). Based on the evidence outlined above, the variant was classified as likely benign.

Ambry Genetics
Classification: Likely benign for Inborn genetic diseases. Last evaluated: 2018-07-19. Review status: criteria provided, single submitter. Criteria: Ambry Variant Classification Scheme 2023. Collection method: clinical testing. Allele origin: germline.

Department of Pathology and Laboratory Medicine, Sinai Health System
Classification: Uncertain significance. Review status: no assertion criteria provided. Collection method: clinical testing. Allele origin: unknown. Affected: yes. Study: The Canadian Open Genetics Repository (COGR). Not counted in ClinVar's aggregate classification.
Comment: The SCN1A p.Met976Leu variant was not identified in the Cosmic, MutDB or LOVD 3.0 databases but was identified in dbSNP (ID: rs773681556) and ClinVar (reported as uncertain significance for neurodevelopement by Ambry Genetics). The variant was identified in control databases in 10 of 251466 chromosomes at a frequency of 0.00004 (Genome Aggregation Database Feb 27, 2017). The variant was observed in the following population: European (non-Finnish) in 10 of 113746 chromosomes (freq: 0.000088), but was not observed in the African, Latino, Ashkenazi Jewish, East Asian, European (Finnish), Other, and South Asian populations. Hildebrand et al. (2016) identified the p.Met976Leu variant in a patient with temporal lobe epilepsy, however this variant was suggested to be benign and was inherited from the patient's unaffected father, therefore not segregating with disease (Hildebrand_2016_PMID: 27029629). The p.Met976 residue is conserved in mammals and computational analyses (PolyPhen-2, SIFT, AlignGVGD, BLOSUM, and MutationTaster) provide inconsistent predictions regarding the impact to the protein; this information is not very predictive of pathogenicity. In summary, based on the above information the clinical significance of this variant cannot be determined with certainty at this time. This variant is classified as a variant of uncertain significance.

Literature cited by the submitters: PubMed 27029629 (cited by Ambry Genetics).